The following is an entry in ClinVar:

NM_000541.5(SAG):c.238G>T (p.Gly80Cys)

Gene: SAG (S-antigen visual arrestin; plus strand). Cytogenetic location: 2q37.1.
Variant type: single nucleotide variant.
Coding change: c.238G>T on transcript NM_000541.5 (MANE Select); coding-DNA position 238, G replaced by T.
Protein change: p.Gly80Cys; replaces glycine 80 with cysteine.
Molecular consequence: missense variant.
Genome position (GRCh38, 1-based): chr2:233,320,686, G>T. VCF-style: chr2-233320686-G-T. GRCh37 (hg19) VCF-style: chr2-234229332-G-T.
Other names: short protein forms G80C.
Identifiers: ClinVar variation 3011573 (VCV003011573.5), dbSNP rs1356753192, ClinGen allele CA351046289.

ClinVar aggregate classification (germline): Conflicting classifications of pathogenicity. Review status: criteria provided, conflicting classifications (1 of 4 stars). 3 submissions from 3 submitters: Likely pathogenic (1); Uncertain significance (2). Last evaluated 2025-08-21.

Conditions:
Retinal dystrophy. Also called: Inherited retinal dystrophy. Identifiers: Orphanet 71862, MedGen C0854723, MeSH D058499, MONDO:0019118, HP:0000556.

Allele frequency attached by ClinVar (database versions not stated): TOPMed below 0.00001.

Submissions (3):

Labcorp Genetics (formerly Invitae), Labcorp
Classification: Uncertain significance. Last evaluated: 2025-08-21. Review status: criteria provided, single submitter. Criteria: Invitae Variant Classification Sherloc (09022015). Collection method: clinical testing. Allele origin: germline.
Comment: This sequence change replaces glycine, which is neutral and non-polar, with cysteine, which is neutral and slightly polar, at codon 80 of the SAG protein (p.Gly80Cys). This variant is not present in population databases (gnomAD no frequency). This variant has not been reported in the literature in individuals affected with SAG-related conditions. ClinVar contains an entry for this variant (Variation ID: 3011573). Invitae Evidence Modeling of protein sequence and biophysical properties (such as structural, functional, and spatial information, amino acid conservation, physicochemical variation, residue mobility, and thermodynamic stability) indicates that this missense variant is expected to disrupt SAG protein function with a positive predictive value of 80%. Algorithms developed to predict the effect of sequence changes on RNA splicing suggest that this variant may create or strengthen a splice site. In summary, the available evidence is currently insufficient to determine the role of this variant in disease. Therefore, it has been classified as a Variant of Uncertain Significance.

Dept Of Ophthalmology, Nagoya University
Classification: Likely pathogenic for Retinal dystrophy. Last evaluated: 2023-10-01. Review status: criteria provided, single submitter. Criteria: Submitter's publication. Collection method: research. Allele origin: germline. Affected: yes.

Blueprint Genetics
Classification: Uncertain significance. Last evaluated: 2021-05-26. Review status: criteria provided, single submitter. Criteria: ACMG Guidelines, 2015. Collection method: clinical testing. Allele origin: germline.